The following is an entry in ClinVar:

NM_005802.5(TOPORS):c.541C>T (p.Arg181Cys)

Gene: TOPORS (TOP1 binding arginine/serine rich protein, E3 ubiquitin ligase; minus strand). Cytogenetic location: 9p21.1.
Variant type: single nucleotide variant.
Coding change: c.541C>T on transcript NM_005802.5 (MANE Select); coding-DNA position 541, C replaced by T.
Protein change: p.Arg181Cys; replaces arginine 181 with cysteine.
Molecular consequence: missense variant.
Genome position (GRCh38, 1-based): chr9:32,543,984, G>A on the plus strand (C>T on the coding strand, the complement: TOPORS is on the minus strand). VCF-style: chr9-32543984-G-A. GRCh37 (hg19) VCF-style: chr9-32543982-G-A.
Other names: c.346C>T, p.Arg116Cys (NM_001195622.2); short protein forms R181C, R116C.
Identifiers: ClinVar variation 4694133 (VCV004694133.1).

ClinVar aggregate classification (germline): Uncertain significance (1 of 4 stars; one submission).

gnomAD v4.1: 8 of 1,614,100 alleles (0.0005%); highest among the groups gnomAD compares: African/African-American, 0.0067%; no homozygotes.

Submission:

Labcorp Genetics (formerly Invitae), Labcorp
Classification: Uncertain significance. Last evaluated: 2025-09-18. Review status: criteria provided, single submitter. Criteria: Invitae Variant Classification Sherloc (09022015). Collection method: clinical testing. Allele origin: germline.
Comment: This sequence change replaces arginine, which is basic and polar, with cysteine, which is neutral and slightly polar, at codon 181 of the TOPORS protein (p.Arg181Cys). This variant is present in population databases (rs183677260, gnomAD 0.008%). This variant has not been reported in the literature in individuals affected with TOPORS-related conditions. An algorithm developed to predict the effect of missense changes on protein structure and function (PolyPhen-2) suggests that this variant is likely to be disruptive. In summary, the available evidence is currently insufficient to determine the role of this variant in disease. Therefore, it has been classified as a Variant of Uncertain Significance.